The following is an entry in ClinVar:

NM_015046.7(SETX):c.390C>T (p.Asn130=)

Gene: SETX (senataxin; minus strand). Cytogenetic location: 9q34.13.
Variant type: single nucleotide variant.
Coding change: c.390C>T on transcript NM_015046.7 (MANE Select); coding-DNA position 390, C replaced by T.
Protein change: p.Asn130=; no amino-acid change (asparagine 130 retained).
Molecular consequence: synonymous variant.
Genome position (GRCh38, 1-based): chr9:132,342,798, G>A on the plus strand (C>T on the coding strand, the complement: SETX is on the minus strand). VCF-style: chr9-132342798-G-A. GRCh37 (hg19) VCF-style: chr9-135218185-G-A.
Other names: c.390C>T, p.Asn130= (NM_001351527.2, NM_001351528.2); c.390C>T (NM_015046.5).
Identifiers: ClinVar variation 811558 (VCV000811558.19), dbSNP rs138363625, ClinGen allele CA5298048.

ClinVar aggregate classification (germline): Likely benign. Review status: criteria provided, multiple submitters, no conflicts (2 of 4 stars). 4 submissions from 4 submitters: Likely benign (3). 1 of the submissions does not count toward it. Last evaluated 2026-01-16.

Conditions:
SETX-related disorder. Also called: SETX-related condition; SETX-related disorders. Identifiers: MedGen CN239403.
Spinocerebellar ataxia, autosomal recessive, with axonal neuropathy 2 (SCAN2). Also called: ATAXIA-OCULOMOTOR APRAXIA 2; Ataxia with Oculomotor Apraxia; Ataxia with Oculomotor Apraxia Type 2; Ataxia-ocular apraxia-2. Identifiers: Orphanet 64753, MedGen C1853761, MONDO:0018996, OMIM 606002.
Amyotrophic lateral sclerosis type 4 (ALS4). Also called: AMYOTROPHIC LATERAL SCLEROSIS 4, JUVENILE; NEURONOPATHY, DISTAL HEREDITARY MOTOR, WITH PYRAMIDAL FEATURES. Identifiers: Orphanet 357043, MedGen C1865409, MONDO:0011223, OMIM 602433.

Allele frequency attached by ClinVar (database versions not stated): gnomAD exomes 0.00027 and 0.00005; ExAC 0.00007; TOPMed 0.00010; gnomAD 0.00013 and 0.00014; ESP Exome Variant Server 0.00015.
gnomAD v4.1: 398 of 1,608,750 alleles (0.025%); highest among the groups gnomAD compares: Non-Finnish European, 0.033%; no homozygotes.

Submissions (4):

Labcorp Genetics (formerly Invitae), Labcorp
Classification: Likely benign for Amyotrophic lateral sclerosis type 4; Spinocerebellar ataxia, autosomal recessive, with axonal neuropathy 2. Last evaluated: 2026-01-16. Review status: criteria provided, single submitter. Criteria: Invitae Variant Classification Sherloc (09022015). Collection method: clinical testing. Allele origin: germline.

Athena Diagnostics
Classification: Likely benign. Last evaluated: 2024-12-13. Review status: criteria provided, single submitter. Criteria: Athena Diagnostics Criteria. Collection method: clinical testing. Allele origin: unknown.
Comment: The frequency of this variant in the general population is higher than would generally be expected for pathogenic variants in this gene. Computational tools yielded predictions that this variant is unlikely to have an effect on normal RNA splicing.

ARUP Laboratories, Molecular Genetics and Genomics, ARUP Laboratories
Classification: Likely benign. Last evaluated: 2019-05-02. Review status: criteria provided, single submitter. Criteria: ARUP Molecular Germline Variant Investigation Process. Collection method: clinical testing. Allele origin: germline.

PreventionGenetics, part of Exact Sciences
Classification: Likely benign for SETX-related condition. Last evaluated: 2019-06-11. Review status: no assertion criteria provided. Collection method: clinical testing. Allele origin: germline. Not counted in ClinVar's aggregate classification.
Comment: This variant is classified as likely benign based on ACMG/AMP sequence variant interpretation guidelines (Richards et al. 2015 PMID: 25741868, with internal and published modifications).